The following is an entry in ClinVar:

NM_002843.4(PTPRJ):c.3506C>T (p.Thr1169Ile)

Gene: PTPRJ (protein tyrosine phosphatase receptor type J; plus strand). Cytogenetic location: 11p11.2.
Variant type: single nucleotide variant.
Coding change: c.3506C>T on transcript NM_002843.4 (MANE Select); coding-DNA position 3506, C replaced by T.
Protein change: p.Thr1169Ile; replaces threonine 1169 with isoleucine.
Molecular consequence: missense variant.
Genome position (GRCh38, 1-based): chr11:48,159,997, C>T. VCF-style: chr11-48159997-C-T. GRCh37 (hg19) VCF-style: chr11-48181549-C-T.
Other names: short protein forms T1169I.
Identifiers: ClinVar variation 3045836 (VCV003045836.3), dbSNP rs141578400, ClinGen allele CA5982771.
Genomic context (GRCh38, chr11:48,159,997, plus strand): 5'-GTGAGGAGTATTGGCCCTCCAAGCAGGCTCAGGACTATGGAGACATAACTGTGGCAATGA[C>T]ATCAGAAATTGTTCTTCCGGAATGGACCATCAGAGATTTCACAGTGAAAAATGTAAGTAA-3'
Protein context (NP_002834.3, residues 1159-1179): QDYGDITVAM[Thr1169Ile]SEIVLPEWTI

ClinVar aggregate classification (germline): Uncertain significance. Review status: criteria provided, single submitter (1 of 4 stars). 2 submissions from 2 submitters: Uncertain significance (1). 1 of the submissions does not count toward it. Last evaluated 2025-09-05.

Conditions:
PTPRJ-related disorder. Also called: PTPRJ-related condition.

Allele frequency attached by ClinVar (database versions not stated): gnomAD exomes 0.00007; ExAC 0.00038; 1000 Genomes Project 30x 0.00078; 1000 Genomes Project 0.00100; gnomAD 0.00114; TOPMed 0.00122; ESP Exome Variant Server 0.00131.
gnomAD v4.1: 277 of 1,613,802 alleles (0.017%); highest among the groups gnomAD compares: African/African-American, 0.33%; 1 homozygote.

Submissions (2):

Ambry Genetics
Classification: Uncertain significance. Last evaluated: 2025-09-05. Review status: criteria provided, single submitter. Criteria: Ambry Variant Classification Scheme 2023. Collection method: clinical testing. Allele origin: germline.

PreventionGenetics, part of Exact Sciences
Classification: Likely benign for PTPRJ-related condition. Last evaluated: 2023-12-27. Review status: no assertion criteria provided. Collection method: clinical testing. Allele origin: germline. Not counted in ClinVar's aggregate classification.
Comment: This variant is classified as likely benign based on ACMG/AMP sequence variant interpretation guidelines (Richards et al. 2015 PMID: 25741868, with internal and published modifications).